The following is an entry in ClinVar:

ClinVar aggregate classification (germline): Pathogenic (1 of 4 stars; one submission).

Conditions:
Charcot-Marie-Tooth disease type 2. Also called: Charcot-Marie-Tooth type 2. Identifiers: Orphanet 64746, MedGen C0270914, MONDO:0018993.

Submission:

Labcorp Genetics (formerly Invitae), Labcorp
Classification: Pathogenic for Charcot-Marie-Tooth disease type 2. Last evaluated: 2023-07-21. Review status: criteria provided, single submitter. Criteria: Invitae Variant Classification Sherloc (09022015). Collection method: clinical testing. Allele origin: germline.
Comment: For these reasons, this variant has been classified as Pathogenic. ClinVar contains an entry for this variant (Variation ID: 937659). This variant has not been reported in the literature in individuals affected with AARS-related conditions. This variant is not present in population databases (gnomAD no frequency). This sequence change creates a premature translational stop signal (p.Glu560Valfs*22) in the AARS gene. It is expected to result in an absent or disrupted protein product. Loss-of-function variants in AARS are known to be pathogenic (PMID: 25817015, 28493438, 34446925).

Literature cited by the submitters: PubMed 25817015; PubMed 28493438; PubMed 34446925.

NM_001605.3(AARS1):c.1679_1680del (p.Glu560fs)

Gene: AARS1 (alanyl-tRNA synthetase 1; minus strand). Cytogenetic location: 16q22.1.
Variant type: Microsatellite.
Coding change: c.1679_1680del on transcript NM_001605.3 (MANE Select); coding-DNA positions 1679 to 1680, 2 bases deleted (AG; older notation c.1679_1680delAG).
Protein change: p.Glu560fs; shifts the reading frame from glutamic acid 560.
Molecular consequence: frameshift variant.
Genome position (GRCh38, 1-based): chr16:70,261,149-70,261,150, CT deleted on the plus strand (AG on the coding strand, the reverse complement: AARS1 is on the minus strand); deleting any 2 consecutive bases within chr16:70,261,149-70,261,152 gives the same sequence; the c. name uses the placement nearest the transcript's 3' end. VCF-style (leftmost placement, unchanged base first): chr16-70261148-ACT-A. GRCh37 (hg19) VCF-style: chr16-70295051-ACT-A.
Other names: short protein forms E560fs.
Identifiers: ClinVar variation 937659 (VCV000937659.7), dbSNP rs1438690757, ClinGen allele CA723285262.